The following is an entry in ClinVar:

ClinVar aggregate classification (germline): Uncertain significance. Review status: criteria provided, multiple submitters, no conflicts (2 of 4 stars). 2 submissions from 2 submitters: Uncertain significance (2). Last evaluated 2024-07-19.

Allele frequency attached by ClinVar (database versions not stated): gnomAD 0.00006; ESP Exome Variant Server 0.00008; TOPMed 0.00008.
gnomAD v4.1: 17 of 1,613,616 alleles (0.0011%); highest among the groups gnomAD compares: African/African-American, 0.017%; no homozygotes.

Submissions (2):

Labcorp Genetics (formerly Invitae), Labcorp
Classification: Uncertain significance. Last evaluated: 2024-07-19. Review status: criteria provided, single submitter. Criteria: Invitae Variant Classification Sherloc (09022015). Collection method: clinical testing. Allele origin: germline.
Comment: This sequence change replaces asparagine, which is neutral and polar, with tyrosine, which is neutral and polar, at codon 840 of the TOP2B protein (p.Asn840Tyr). This variant is present in population databases (rs373490528, gnomAD 0.02%). This variant has not been reported in the literature in individuals affected with TOP2B-related conditions. ClinVar contains an entry for this variant (Variation ID: 1437358). An algorithm developed to predict the effect of missense changes on protein structure and function (PolyPhen-2) suggests that this variant is likely to be tolerated. In summary, the available evidence is currently insufficient to determine the role of this variant in disease. Therefore, it has been classified as a Variant of Uncertain Significance.

Ambry Genetics
Classification: Uncertain significance. Last evaluated: 2022-11-30. Review status: criteria provided, single submitter. Criteria: Ambry Variant Classification Scheme 2023. Collection method: clinical testing. Allele origin: germline.

NM_001330700.2(TOP2B):c.2533A>T (p.Asn845Tyr)

Gene: TOP2B (DNA topoisomerase II beta; minus strand). Cytogenetic location: 3p24.2.
Variant type: single nucleotide variant.
Coding change: c.2533A>T on transcript NM_001330700.2 (MANE Select); coding-DNA position 2533, A replaced by T.
Protein change: p.Asn845Tyr; replaces asparagine 845 with tyrosine.
Molecular consequence: missense variant.
Genome position (GRCh38, 1-based): chr3:25,623,709, T>A on the plus strand (A>T on the coding strand, the complement: TOP2B is on the minus strand). VCF-style: chr3-25623709-T-A. GRCh37 (hg19) VCF-style: chr3-25665200-T-A.
Other names: c.2518A>T, p.Asn840Tyr (NM_001068.3); c.2518A>T (NM_001068.2); short protein forms N840Y, N845Y.
Identifiers: ClinVar variation 1437358 (VCV001437358.9), dbSNP rs373490528, ClinGen allele CA2288467.